The following is an entry in ClinVar:

ClinVar aggregate classification (germline): Uncertain significance (1 of 4 stars; one submission).

Submission:

GeneDx
Classification: Uncertain significance. Last evaluated: 2022-01-17. Review status: criteria provided, single submitter. Criteria: GeneDx Variant Classification Process June 2021. Collection method: clinical testing. Allele origin: germline. Affected: yes.
Comment: Not observed at significant frequency in large population cohorts (gnomAD); In silico analysis supports that this missense variant has a deleterious effect on protein structure/function; Has not been previously published as pathogenic or benign to our knowledge

NM_001252102.2(KIF21B):c.1987C>T (p.Leu663Phe)

Gene: KIF21B (kinesin family member 21B; minus strand). Cytogenetic location: 1q32.1.
Variant type: single nucleotide variant.
Coding change: c.1987C>T on transcript NM_001252102.2 (MANE Select); coding-DNA position 1987, C replaced by T.
Protein change: p.Leu663Phe; replaces leucine 663 with phenylalanine.
Molecular consequence: missense variant.
Genome position (GRCh38, 1-based): chr1:200,998,474, G>A on the plus strand (C>T on the coding strand, the complement: KIF21B is on the minus strand). VCF-style: chr1-200998474-G-A. GRCh37 (hg19) VCF-style: chr1-200967602-G-A.
Other names: c.1987C>T, p.Leu663Phe (NM_001252100.2, NM_001252103.2, NM_017596.4); short protein forms L663F.
Identifiers: ClinVar variation 1697003 (VCV001697003.2), dbSNP rs2102431074, ClinGen allele CA344147761.